The following is an entry in ClinVar:

ClinVar aggregate classification (germline): Pathogenic/Likely pathogenic/Pathogenic, low penetrance. Review status: criteria provided, multiple submitters, no conflicts (2 of 4 stars). 4 submissions from 4 submitters: Pathogenic (2); Likely pathogenic (1); Pathogenic, low penetrance (1). Last evaluated 2025-10-02.

Conditions:
Atypical hemolytic-uremic syndrome. Identifiers: Orphanet 2134, MedGen C2931788, MONDO:0016244.
Atypical hemolytic-uremic syndrome with MCP/CD46 anomaly. Also called: HEMOLYTIC UREMIC SYNDROME, ATYPICAL, SUSCEPTIBILITY TO, 2; AHUS, SUSCEPTIBILITY TO, 2. Identifiers: Orphanet 2134, MedGen C2752040, MONDO:0013040, OMIM 612922.

Allele frequency attached by ClinVar (database versions not stated): gnomAD exomes below 0.00001; TOPMed below 0.00001; gnomAD 0.00001.

Submissions (4):

Genomenon, Inc
Classification: Pathogenic, low penetrance for Atypical hemolytic-uremic syndrome. Last evaluated: 2025-10-02. Review status: criteria provided, single submitter. Criteria: Genomenon Sequence Variant Interpretation Standards. Collection method: curation. Allele origin: germline. Affected: yes.
Comment: CD46 p.Ser274TyrfsTer11 (c.820_821del) is a frameshift variant that results in the production of a truncated protein which is predicted to undergo nonsense-mediated mRNA decay. This variant has been observed in at least one proband affected with atypical hemolytic-uremic syndrome (PMID:28461395). It is absent or not present at a significant frequency in gnomAD. In conclusion, we classify CD46 p.Ser274TyrfsTer11 (c.820_821del) as a pathogenic variant.

Variantyx, Inc.
Classification: Likely pathogenic for Atypical hemolytic-uremic syndrome with MCP/CD46 anomaly. Last evaluated: 2025-08-22. Review status: criteria provided, single submitter. Criteria: Variantyx Assertion Criteria 2022. Collection method: clinical testing. Allele origin: germline. Inheritance: Autosomal dominant inheritance. Affected: yes.
Comment: This is a frameshift variant in the CD46 gene (OMIM: 120920). Pathogenic variants in this gene have been associated with autosomal dominant or autosomal recessive susceptibility to atypical hemolytic uremic syndrome 2. This variant introduces a premature termination codon in exon 6 out of 13 and is expected to result in loss of function, which is a known disease mechanism for CD46 in this disorder (PMID: 16621965, 16762990) (PVS1). This variant has a 0.0006% maximum allele frequency in non-founder control populations (PM2). It has been reported in the heterozygous state in at least one affected individual. However, other potentially causative variants were reported (PMID: 28461395). Based on the current evidence, this variant is classified as likely pathogenic for autosomal dominant or autosomal recessive susceptibility to atypical hemolytic uremic syndrome 2. Inheritance from an unaffected parent or a parent with unknown affected status has been reported, consistent with incomplete penetrance (PMID:23519521).

Victorian Clinical Genetics Services, Murdoch Childrens Research Institute
Classification: Pathogenic for Atypical hemolytic-uremic syndrome with MCP/CD46 anomaly. Last evaluated: 2023-07-17. Review status: criteria provided, single submitter. Criteria: ACMG Guidelines, 2015. Collection method: clinical testing. Allele origin: germline. Inheritance: Autosomal dominant inheritance. Affected: yes.
Comment: Based on the classification scheme VCGS_Germline_v1.3.4, this variant is classified as Pathogenic. Following criteria are met: 0102 - Loss of function is a known mechanism of disease in this gene and is associated with atypical haemolytic uremic syndrome 2 (aHUS) (MIM#612922). (I) 0108 - This gene is associated with both recessive and dominant disease. Variants in aHUS are predominantly heterozygous, however rare reports of biallelic inheritance have been associated an earlier onset and more severe symptoms (ClinVar, OMIM). (I) 0112 - The condition associated with this gene has incomplete penetrance. Asymptomatic heterozygotes are commonly reported, with penetrance estimated to be 50% (OMIM). (I) 0201 - Variant is predicted to cause nonsense-mediated decay (NMD) and loss of protein (premature termination codon is located at least 54 nucleotides upstream of the final exon-exon junction). (SP) 0251 - This variant is heterozygous. (I) 0302 - Variant is present in gnomAD (v3) <0.001 for a dominant condition (2 heterozygotes, 0 homozygotes). (SP) 0701 - Other NMD-predicted variants comparable to the one identified in this case have very strong previous evidence for pathogenicity. At least ten other variants predicted to result in a loss of function have previously been reported in individuals with aHUS (ClinVar, DECIPHER). (SP) 0808 - Previous evidence of pathogenicity for this variant is conflicting. The variant has previously been observed in combination with other variants in one individual with aHUS (PMID: 28461395); and classified as pathogenic by a diagnostic laboratory in ClinVar. (I) 0905 - No published segregation evidence has been identified for this variant. (I) 1007 - No published functional evidence has been identified for this variant. (I) 1102 - Strong phenotype match for this individual. (I) Legend: (SP) - Supporting pathogenic, (I) - Information, (SB) - Supporting benign

Mayo Clinic Laboratories, Mayo Clinic
Classification: Pathogenic. Last evaluated: 2021-12-09. Review status: criteria provided, single submitter. Criteria: ACMG Guidelines, 2015. Collection method: clinical testing. Allele origin: germline.
Comment: PM2_supporting, PS4_moderate, PVS1

Literature cited by the submitters: PubMed 28461395 (cited by 4 submitters); PubMed 16621965 (cited by Variantyx, Inc.); PubMed 16762990 (cited by Variantyx, Inc.); PubMed 29563339 (cited by Mayo Clinic Laboratories, Mayo Clinic).

NM_172351.3(CD46):c.820_821del (p.Ser274fs)

Gene: CD46 (CD46 molecule; plus strand). Cytogenetic location: 1q32.2.
Variant type: Deletion.
Coding change: c.820_821del on transcript NM_172351.3 (MANE Select); coding-DNA positions 820 to 821, 2 bases deleted (AG; older notation c.820_821delAG).
Protein change: p.Ser274fs; shifts the reading frame from serine 274.
Molecular consequence: frameshift variant.
Genome position (GRCh38, 1-based): chr1:207,767,159-207,767,160, AG deleted. VCF-style (leftmost placement, unchanged base first): chr1-207767158-CAG-C. GRCh37 (hg19) VCF-style: chr1-207940503-CAG-C.
Other names: p.Ser274Tyrfs*11; c.820_821delAG (NM_172351.2); c.820_821del, p.Ser274fs (NM_002389.4, NM_153826.4, NM_172350.3 and 8 more transcripts); short protein forms S274fs.
Identifiers: ClinVar variation 1343345 (VCV001343345.7), dbSNP rs1191117776, ClinGen allele CA528615552.